The following is an entry in ClinVar:

ClinVar aggregate classification (germline): Conflicting classifications of pathogenicity. Review status: criteria provided, conflicting classifications (1 of 4 stars). 2 submissions from 2 submitters: Likely pathogenic (1); Uncertain significance (1). Last evaluated 2023-09-12.

Conditions:
Muscular dystrophy-dystroglycanopathy (congenital with brain and eye anomalies), type A2. Also called: WALKER-WARBURG SYNDROME OR MUSCLE-EYE-BRAIN DISEASE, POMT2-RELATED; MUSCULAR DYSTROPHY-DYSTROGLYCANOPATHY (CONGENITAL WITH BRAIN AND EYE ANOMALIES), TYPE A, 2. Identifiers: Orphanet 588, Orphanet 899, MedGen C3150411, MONDO:0013154, OMIM 613150.

Submissions (2):

Baylor Genetics
Classification: Likely pathogenic for Muscular dystrophy-dystroglycanopathy (congenital with brain and eye anomalies), type A2. Last evaluated: 2023-09-12. Review status: criteria provided, single submitter. Criteria: ACMG Guidelines, 2015. Collection method: clinical testing. Allele origin: unknown.

Women's Health and Genetics/Laboratory Corporation of America, LabCorp
Classification: Uncertain significance. Last evaluated: 2023-04-14. Review status: criteria provided, single submitter. Criteria: LabCorp Variant Classification Summary - May 2015. Collection method: clinical testing. Allele origin: germline.
Comment: Variant summary: POMT2 c.2147+1delG is located in a canonical splice-site of the last intron (20) and is predicted to affect mRNA splicing resulting in a significantly altered protein due to either exon skipping, shortening, or inclusion of intronic material. Several computational tools predict a significant impact on normal splicing: Three predict the variant weakens the canonical 5' donor site. One predict the variant abolishes the canonical 5' splicing donor site. However, these predictions have yet to be confirmed by functional studies and due to the variant location being beyond the region where NMD is predicted, its clinical implication is not clear. The variant was absent in 156318 control chromosomes (gnomAD). To our knowledge, no occurrence of c.2147+1delG in individuals affected with Limb-Girdle Muscular Dystrophy, Autosomal Recessive and no experimental evidence demonstrating its impact on protein function have been reported. No clinical diagnostic laboratories have submitted clinical-significance assessments for this variant to ClinVar after 2014. Based on the evidence outlined above, the variant was classified as uncertain significance.

NM_013382.7(POMT2):c.2147+1del

Gene: POMT2 (protein O-mannosyltransferase 2; minus strand). Cytogenetic location: 14q24.3.
Variant type: Deletion.
Coding change: c.2147+1del on transcript NM_013382.7 (MANE Select); the canonical splice donor site of the intron after coding-DNA position 2147, one base deleted (G; older notation c.2147+1delG).
Molecular consequence: splice donor variant.
Genome position (GRCh38, 1-based): chr14:77,278,393, C deleted on the plus strand (G on the coding strand, the reverse complement: POMT2 is on the minus strand); the first of 2 consecutive C bases (chr14:77,278,393-77,278,394); deleting either gives the same sequence. VCF-style (leftmost placement, unchanged base first): chr14-77278392-AC-A. GRCh37 (hg19) VCF-style: chr14-77744735-AC-A.
Identifiers: ClinVar variation 2504046 (VCV002504046.2), dbSNP rs2503151450, ClinGen allele CA2580612783.